The following is an entry in ClinVar:

NM_001243133.2(NLRP3):c.1661G>A (p.Arg554Gln)

Gene: NLRP3 (NLR family pyrin domain containing 3; plus strand). Cytogenetic location: 1q44.
Variant type: single nucleotide variant.
Coding change: c.1661G>A on transcript NM_001243133.2 (MANE Select); coding-DNA position 1661, G replaced by A.
Protein change: p.Arg554Gln; replaces arginine 554 with glutamine.
Molecular consequence: missense variant.
Genome position (GRCh38, 1-based): chr1:247,425,110, G>A. VCF-style: chr1-247425110-G-A. GRCh37 (hg19) VCF-style: chr1-247588412-G-A.
Other names: c.1661G>A, p.Arg554Gln (NM_001079821.3, NM_001127461.3, NM_001127462.3 and 1 more transcripts); c.1667G>A, p.Arg556Gln (NM_004895.5); short protein forms R556Q, R554Q.
Identifiers: ClinVar variation 580758 (VCV000580758.8), dbSNP rs1558192523, ClinGen allele CA345557540.

ClinVar aggregate classification (germline): Uncertain significance (1 of 4 stars; one submission).

Conditions:
Cryopyrin associated periodic syndrome (CAPS). Identifiers: Orphanet 208650, MedGen C2316212, MONDO:0016168.

Allele frequency attached by ClinVar (database versions not stated): TOPMed 0.00001; gnomAD 0.00002.
gnomAD v4.1: 6 of 1,612,944 alleles (0.00037%); highest among the groups gnomAD compares: African/African-American, 0.0013%; no homozygotes.

Submission:

Labcorp Genetics (formerly Invitae), Labcorp
Classification: Uncertain significance for Cryopyrin associated periodic syndrome. Last evaluated: 2025-11-04. Review status: criteria provided, single submitter. Criteria: Invitae Variant Classification Sherloc (09022015). Collection method: clinical testing. Allele origin: germline.
Comment: This sequence change replaces arginine, which is basic and polar, with glutamine, which is neutral and polar, at codon 556 of the NLRP3 protein (p.Arg556Gln). This variant is not present in population databases (gnomAD no frequency). This variant has not been reported in the literature in individuals affected with NLRP3-related conditions. ClinVar contains an entry for this variant (Variation ID: 580758). Invitae Evidence Modeling of protein sequence and biophysical properties (such as structural, functional, and spatial information, amino acid conservation, physicochemical variation, residue mobility, and thermodynamic stability) has been performed for this missense variant. However, the output from this modeling did not meet the statistical confidence thresholds required to predict the impact of this variant on NLRP3 protein function. In summary, the available evidence is currently insufficient to determine the role of this variant in disease. Therefore, it has been classified as a Variant of Uncertain Significance.